The following is an entry in ClinVar:

ClinVar aggregate classification (germline): Conflicting classifications of pathogenicity. Review status: criteria provided, conflicting classifications (1 of 4 stars). 3 submissions from 3 submitters: Uncertain significance (1); Likely benign (2). Last evaluated 2025-11-09.

Conditions:
Menke-Hennekam syndrome 2 (MKHK2). Identifiers: MedGen C5193035, MONDO:0020769, OMIM 618333.
Rubinstein-Taybi syndrome due to EP300 haploinsufficiency. Also called: EP300-Related Rubinstein-Taybi Syndrome; RUBINSTEIN-TAYBI SYNDROME 2. Identifiers: Orphanet 353284, Orphanet 783, MedGen C3150941, MONDO:0013364, OMIM 613684.

Allele frequency attached by ClinVar (database versions not stated): gnomAD 0.00003 and 0.00004; TOPMed 0.00003; gnomAD exomes 0.00005 and 0.00006; ExAC 0.00007; ESP Exome Variant Server 0.00015.
gnomAD v4.1: 77 of 1,613,914 alleles (0.0048%); highest among the groups gnomAD compares: Non-Finnish European, 0.0057%; no homozygotes.

Submissions (3):

Labcorp Genetics (formerly Invitae), Labcorp
Classification: Likely benign for Rubinstein-Taybi syndrome due to EP300 haploinsufficiency. Last evaluated: 2025-11-09. Review status: criteria provided, single submitter. Criteria: Invitae Variant Classification Sherloc (09022015). Collection method: clinical testing. Allele origin: germline.

Blueprint Genetics
Classification: Likely benign. Last evaluated: 2023-12-29. Review status: criteria provided, single submitter. Criteria: ACMG Guidelines, 2015. Collection method: clinical testing. Allele origin: germline.

Centre for Mendelian Genomics, University Medical Centre Ljubljana
Classification: Uncertain significance for Menke-Hennekam syndrome 2. Last evaluated: 2019-05-14. Review status: criteria provided, single submitter. Criteria: ACMG Guidelines, 2015. Collection method: clinical testing. Allele origin: unknown. Affected: yes.
Comment: This variant was classified as: Uncertain significance. The available evidence favors the benign nature of this variant, however the evidence is insufficent to prove its benign nature. The following ACMG criteria were applied in classifying this variant: BP4.

NM_001429.4(EP300):c.1760+20C>T

Gene: EP300 (EP300 lysine acetyltransferase; plus strand). Cytogenetic location: 22q13.2.
Variant type: single nucleotide variant.
Coding change: c.1760+20C>T on transcript NM_001429.4 (MANE Select); 20 bases into the intron after coding-DNA position 1760, C replaced by T.
Molecular consequence: intron variant.
Genome position (GRCh38, 1-based): chr22:41,137,810, C>T. VCF-style: chr22-41137810-C-T. GRCh37 (hg19) VCF-style: chr22-41533814-C-T.
Other names: c.1760+20C>T (NM_001362843.2).
Identifiers: ClinVar variation 931160 (VCV000931160.8), dbSNP rs368767822, ClinGen allele CA10252602.